The following is an entry in ClinVar:

ClinVar aggregate classification (germline): Pathogenic (1 of 4 stars; one submission).

Conditions:
Zellweger spectrum disorders (ZS). Also called: Zellweger syndrome; Zellweger Spectrum Disorder (ZSD); Zellweger Spectrum Disorder; Zellweger Spectrum. Identifiers: Orphanet 912, MedGen C0043459, MONDO:0019609.

Submission:

Labcorp Genetics (formerly Invitae), Labcorp
Classification: Pathogenic for Zellweger spectrum disorders. Last evaluated: 2019-10-16. Review status: criteria provided, single submitter. Criteria: Invitae Variant Classification Sherloc (09022015). Collection method: clinical testing. Allele origin: germline.
Comment: For these reasons, this variant has been classified as Pathogenic. Loss-of-function variants in PEX1 are known to be pathogenic (PMID: 9398847, 16086329, 16141001, 21031596). This variant has not been reported in the literature in individuals with PEX1-related conditions. This variant is not present in population databases (ExAC no frequency). This sequence change creates a premature translational stop signal (p.Phe779Leufs*29) in the PEX1 gene. It is expected to result in an absent or disrupted protein product.

Literature cited by the submitters: PubMed 9398847; PubMed 16086329; PubMed 16141001; PubMed 21031596.

NM_000466.3(PEX1):c.2330_2331delinsA (p.Gly777fs)

Gene: PEX1 (peroxisomal biogenesis factor 1; minus strand). Cytogenetic location: 7q21.2.
Variant type: Indel.
Coding change: c.2330_2331delinsA on transcript NM_000466.3 (MANE Select); coding-DNA positions 2330 to 2331, GC replaced by A.
Protein change: p.Gly777fs; shifts the reading frame from glycine 777.
Molecular consequence: frameshift variant.
Genome position (GRCh38, 1-based): chr7:92,501,975-92,501,976, GC replaced by T on the plus strand (GC replaced by A on the coding strand, the reverse complement: PEX1 is on the minus strand). VCF-style: chr7-92501975-GC-T. GRCh37 (hg19) VCF-style: chr7-92131289-GC-T.
Other names: c.2159_2160delinsA, p.Gly720fs (NM_001282677.2); c.1706_1707delinsA, p.Gly569fs (NM_001282678.2); short protein forms G777fs, G569fs, G720fs.
Identifiers: ClinVar variation 970432 (VCV000970432.6), dbSNP rs1791951634, ClinGen allele CA1139660135.